The following is an entry in ClinVar:

NM_000553.6(WRN):c.654T>C (p.Tyr218=)

Gene: WRN (WRN RecQ like helicase; plus strand). Cytogenetic location: 8p12.
Variant type: single nucleotide variant.
Coding change: c.654T>C on transcript NM_000553.6 (MANE Select); coding-DNA position 654, T replaced by C.
Protein change: p.Tyr218=; no amino-acid change (tyrosine 218 retained).
Molecular consequence: synonymous variant.
Genome position (GRCh38, 1-based): chr8:31,067,182, T>C. VCF-style: chr8-31067182-T-C. GRCh37 (hg19) VCF-style: chr8-30924698-T-C.
Identifiers: ClinVar variation 458495 (VCV000458495.14), dbSNP rs747520883, ClinGen allele CA4704119.
Genomic context (GRCh38, chr8:31,067,182, plus strand): 5'-CAATTGGAGTAAATTTCCTCTCACTGAGGACCAGAAACTGTATGCAGCCACTGATGCTTA[T>C]GTACGTGCTTAAAGATCTTTAGAAATTGTGATGTGTTTTAAAAACATTATTATAAATGAC-3'
Protein context (NP_000544.2, residues 208-228): DQKLYAATDA[Tyr218=]AGFIIYRNLE

ClinVar aggregate classification (germline): Likely benign. Review status: criteria provided, multiple submitters, no conflicts (2 of 4 stars). 2 submissions from 2 submitters: Likely benign (2). Last evaluated 2026-03-01.

Conditions:
Werner syndrome (WRN). Identifiers: Orphanet 902, MedGen C0043119, MONDO:0010196, OMIM 277700.

Allele frequency attached by ClinVar (database versions not stated): gnomAD 0.00001; gnomAD exomes 0.00001 and 0.00002; TOPMed 0.00002; ExAC 0.00004.
gnomAD v4.1: 5 of 1,613,420 alleles (0.00031%); highest among the groups gnomAD compares: Admixed American, 0.0067%; no homozygotes.

Submissions (2):

CeGaT Center for Human Genetics Tuebingen
Classification: Likely benign. Last evaluated: 2026-03-01. Review status: criteria provided, single submitter. Criteria: CeGaT Center For Human Genetics Tuebingen Variant Classification Criteria Version 2. Collection method: clinical testing. Allele origin: germline. Affected: yes. Observed: 1 variant allele.
Comment: WRN: BP4, BP7

Labcorp Genetics (formerly Invitae), Labcorp
Classification: Likely benign for Werner syndrome. Last evaluated: 2025-07-08. Review status: criteria provided, single submitter. Criteria: Invitae Variant Classification Sherloc (09022015). Collection method: clinical testing. Allele origin: germline.